The following is an entry in ClinVar:

ClinVar aggregate classification (germline): Uncertain significance (1 of 4 stars; one submission).

gnomAD v4.1: 24 of 1,613,978 alleles (0.0015%); highest among the groups gnomAD compares: South Asian, 0.0033%; no homozygotes.

Submission:

Mayo Clinic Laboratories, Mayo Clinic
Classification: Uncertain significance. Last evaluated: 2025-10-09. Review status: criteria provided, single submitter. Criteria: ACMG Guidelines, 2015. Collection method: clinical testing. Allele origin: germline. Observed: 1 variant allele.
Comment: PP3_moderate

NM_012200.4(B3GAT3):c.679G>A (p.Glu227Lys)

Gene: B3GAT3 (beta-1,3-glucuronyltransferase 3; minus strand). Cytogenetic location: 11q12.3.
Variant type: single nucleotide variant.
Coding change: c.679G>A on transcript NM_012200.4 (MANE Select); coding-DNA position 679, G replaced by A.
Protein change: p.Glu227Lys; replaces glutamic acid 227 with lysine.
Molecular consequence: missense variant. On other transcripts: non-coding transcript variant (1).
Genome position (GRCh38, 1-based): chr11:62,616,736, C>T on the plus strand (G>A on the coding strand, the complement: B3GAT3 is on the minus strand). VCF-style: chr11-62616736-C-T. GRCh37 (hg19) VCF-style: chr11-62384208-C-T.
Other names: p.Glu227Lys; c.658G>A, p.Glu220Lys (NM_001288721.2); c.679G>A, p.Glu227Lys (NM_001288722.2, NM_001288723.2); short protein forms E220K, E227K.
Identifiers: ClinVar variation 4541621 (VCV004541621.1).
Genomic context (GRCh38, chr11:62,616,736, plus strand): 5'-TGCTGGGCTCCCATGCTGTGTGGAAGCCCACTACCCGGCCGTCCTGTACCTGAGGGCCCT[C>T]GAATCGCAGGCCGCCCACCAGCCCCACAGGCCACACTGAGACACCACGGGTCCAGCGCAT-3'
Protein context (NP_036332.2, residues 217-237): PVGLVGGLRF[Glu227Lys]GPQVQDGRVV